The following is an entry in ClinVar:

ClinVar aggregate classification (germline): Pathogenic (1 of 4 stars; one submission).

Conditions:
Charcot-Marie-Tooth disease type 4. Also called: Charcot-Marie-Tooth, Type 4; Charcot-Marie-Tooth disease, type IV. Identifiers: Orphanet 64749, MedGen C4082197, MONDO:0018995.

Submission:

Labcorp Genetics (formerly Invitae), Labcorp
Classification: Pathogenic for Charcot-Marie-Tooth disease type 4. Last evaluated: 2022-07-19. Review status: criteria provided, single submitter. Criteria: Invitae Variant Classification Sherloc (09022015). Collection method: clinical testing. Allele origin: germline.
Comment: This sequence change creates a premature translational stop signal (p.Gln69Serfs*25) in the FGD4 gene. It is expected to result in an absent or disrupted protein product. Loss-of-function variants in FGD4 are known to be pathogenic (PMID: 17564972). For these reasons, this variant has been classified as Pathogenic. ClinVar contains an entry for this variant (Variation ID: 1075631). This variant has not been reported in the literature in individuals affected with FGD4-related conditions. This variant is not present in population databases (gnomAD no frequency).

Literature cited by the submitters: PubMed 17564972.

NM_001370298.3(FGD4):c.616del (p.Gln206fs)

Gene: FGD4 (FYVE, RhoGEF and PH domain containing 4; plus strand). Cytogenetic location: 12p11.21.
Variant type: Deletion.
Coding change: c.616del on transcript NM_001370298.3 (MANE Select); coding-DNA position 616, one base deleted (C; older notation c.616delC).
Protein change: p.Gln206fs; shifts the reading frame from glutamine 206.
Molecular consequence: frameshift variant. On other transcripts: 5 prime UTR variant (5), non-coding transcript variant (1), intron variant (1).
Genome position (GRCh38, 1-based): chr12:32,582,072, C deleted; the last of 3 consecutive C bases (chr12:32,582,070-32,582,072); deleting any one gives the same sequence. VCF-style (leftmost placement, unchanged base first): chr12-32582069-TC-T. GRCh37 (hg19) VCF-style: chr12-32735003-TC-T.
Other names: c.460delC, p.Gln154Serfs (NM_001304481.2); c.-640del (NM_001304483.2); c.-947del (NM_001304484.2); c.-75del (NM_001330373.2, NM_001330374.2, NM_001384130.1); c.616del, p.Gln206fs (NM_001384126.1); c.205del, p.Gln69fs (NM_001384127.1, NM_001384128.1, NM_001384131.1 and 3 more transcripts); c.49-16425del (NM_001370297.1); short protein forms Q154fs, Q206fs, Q69fs.
Identifiers: ClinVar variation 1075631 (VCV001075631.7), dbSNP rs2136432373, ClinGen allele CA2499221613.